The following is an entry in ClinVar:

NM_000059.4(BRCA2):c.62A>G (p.Lys21Arg)

Gene: BRCA2 (BRCA2 DNA repair associated; plus strand). Cytogenetic location: 13q13.1.
Variant type: single nucleotide variant.
Coding change: c.62A>G on transcript NM_000059.4 (MANE Select); coding-DNA position 62, A replaced by G.
Protein change: p.Lys21Arg; replaces lysine 21 with arginine.
Molecular consequence: missense variant.
Genome position (GRCh38, 1-based): chr13:32,316,522, A>G. VCF-style: chr13-32316522-A-G. GRCh37 (hg19) VCF-style: chr13-32890659-A-G.
Other names: p.K21R:AAA>AGA; 290A>G; short protein forms K21R.
Identifiers: ClinVar variation 38033 (VCV000038033.42), dbSNP rs397507367, ClinGen allele CA023837.

ClinVar aggregate classification (germline): Conflicting classifications of pathogenicity. Review status: criteria provided, conflicting classifications (1 of 4 stars). 14 submissions from 14 submitters: Uncertain significance (8); Likely benign (3). 3 of the submissions do not count toward it. Last evaluated 2026-01-13.

Conditions:
Hereditary cancer-predisposing syndrome. Also called: Hereditary neoplastic syndrome; Neoplastic Syndromes, Hereditary; Tumor predisposition; Hereditary Cancer Syndrome. Identifiers: Orphanet 140162, MedGen C0027672, MeSH D009386, MONDO:0015356.
BRCA2-related cancer predisposition. Identifiers: MedGen CN377758, MONDO:0700269.
Hereditary breast ovarian cancer syndrome. Also called: Breast and ovarian cancer; Hereditary breast and ovarian cancer syndrome; Hereditary breast and/or ovarian cancer syndrome; BRCA1- and BRCA2-Associated Hereditary Breast and Ovarian Cancer; Hereditary breast and ovarian cancer; Hereditary breast and ovarian cancer syndrome (HBOC). Identifiers: Orphanet 145, MedGen C0677776, MeSH D061325, MONDO:0003582. Disease mechanism: loss of function.
Breast-ovarian cancer, familial, susceptibility to, 2 (BROVCA2). Also called: BRCA2 Hereditary Breast and Ovarian Cancer. Identifiers: Orphanet 145, MedGen C2675520, MONDO:0012933, OMIM 612555. Disease mechanism: loss of function.
Malignant tumor of breast. Also called: Cancer breast; Malignant breast neoplasm. Identifiers: MedGen C0006142, MONDO:0007254. Disease mechanism: loss of function.

Allele frequency attached by ClinVar (database versions not stated): gnomAD exomes 0.00001 and 0.00003; ExAC 0.00003; gnomAD 0.00003 and 0.00004; TOPMed 0.00005.
gnomAD v4.1: 17 of 1,613,590 alleles (0.0011%); highest among the groups gnomAD compares: African/African-American, 0.012%; no homozygotes.

Submissions 1 to 9 of 14:

Labcorp Genetics (formerly Invitae), Labcorp
Classification: Likely benign for Hereditary breast ovarian cancer syndrome. Last evaluated: 2026-01-13. Review status: criteria provided, single submitter. Criteria: Invitae Variant Classification Sherloc (09022015). Collection method: clinical testing. Allele origin: germline.

Quest Diagnostics Nichols Institute San Juan Capistrano
Classification: Uncertain significance. Last evaluated: 2025-10-21. Review status: criteria provided, single submitter. Criteria: Quest Diagnostics criteria. Collection method: clinical testing. Allele origin: unknown.
Comment: The BRCA2 c.62A>G (p.Lys21Arg) variant has been reported in the published literature in individuals with breast and/or ovarian cancer (PMIDs: 35402282 (2022), 34326862 (2021). 32438681 (2020), 33067490 (2020), 29409476 (2018), 25503501 (2015)), as well as in reportedly unaffected individuals (PMID: 29641532 (2018)). In addition, this variant has been reported to have no effect on BRCA2 mRNA splicing (PMID: 22505045 (2012)), though the effect on BRCA2 protein function has not been determined. The frequency of this variant in the general population (Genome Aggregation Database) is uninformative in the assessment of its pathogenicity. Analysis of this variant using bioinformatics tools for the prediction of the effect of amino acid changes on protein structure and function yielded predictions that this variant is benign. Based on the available information, we are unable to determine the clinical significance of this variant.

Blueprint Genetics
Classification: Uncertain significance. Last evaluated: 2024-10-10. Review status: criteria provided, single submitter. Criteria: ACMG Guidelines, 2015. Collection method: clinical testing. Allele origin: germline.

All of Us Research Program, National Institutes of Health
Classification: Uncertain significance for BRCA2-related cancer predisposition. Last evaluated: 2024-06-11. Review status: criteria provided, single submitter. Criteria: ACMG Guidelines, 2015. Collection method: clinical testing. Allele origin: germline. Inheritance: Autosomal dominant inheritance. Observed: 7 variant alleles, 7 heterozygotes.
Comment: This missense variant replaces lysine with arginine at codon 21 of the BRCA2 protein. Computational prediction suggests that this variant may not impact protein structure and function (internally defined REVEL score threshold <= 0.5, PMID: 27666373). An RNA study using patient-derived RNA has shown this variant does not impact splicing (PMID: 22505045). A functional study has reported that this variant does not impact BRCA2 function, as assayed by response to PARP inhibitors (PMID: 32444794). This variant has been reported in individuals with a personal and/or family history with breast or ovarian cancer (PMID 25503501, 29409476, 32438681, 33067490). This variant has also been identified in 7/251130 chromosomes in the general population by the Genome Aggregation Database (gnomAD). The available evidence is insufficient to determine the role of this variant in disease conclusively. Therefore, this variant is classified as a Variant of Uncertain Significance.

This study involves interpretation of variants in research participants for the purpose of population health screening. Participant phenotype was not available at the time of variant classification. Additional details can be found in publication PMID: 35346344, PMCID: PMC8962531

Color Diagnostics, LLC DBA Color Health
Classification: Uncertain significance for Hereditary cancer-predisposing syndrome. Last evaluated: 2024-05-22. Review status: criteria provided, single submitter. Criteria: ACMG Guidelines, 2015. Collection method: clinical testing. Allele origin: germline.
Comment: This missense variant replaces lysine with arginine at codon 21 of the BRCA2 protein. Computational prediction suggests that this variant may not impact protein structure and function. An RNA study using patient-derived RNA has shown this variant does not impact splicing (PMID: 22505045). A functional study has reported that this variant does not impact BRCA2 function, as assayed by response to PARP inhibitors (PMID: 32444794). This variant has been reported in individuals with a personal and/or family history with breast or ovarian cancer (PMID 25503501, 29409476, 32438681, 33067490, 35402282). This variant has also been identified in 7/251130 chromosomes in the general population by the Genome Aggregation Database (gnomAD). The available evidence is insufficient to determine the role of this variant in disease conclusively. Therefore, this variant is classified as a Variant of Uncertain Significance.

GeneDx
Classification: Uncertain significance. Last evaluated: 2024-03-17. Review status: criteria provided, single submitter. Criteria: GeneDx Variant Classification Process June 2021. Collection method: clinical testing. Allele origin: germline. Affected: yes.
Comment: Observed in individuals with a personal or family history of breast and/or ovarian cancer (PMID: 34326862, 25503501, 29409476, 33067490, 32438681, 35402282); Published functional studies suggest no damaging effect: performed similar to wild type in a high throughput assay measuring response to PARP inhibitors (PMID: 32444794); In silico analysis supports that this missense variant does not alter protein structure/function; Also known as 290A>G; This variant is associated with the following publications: (PMID: 25348012, 25503501, 22505045, 29409476, 32438681, 33067490, 29884841, 35402282, 32377563, 29641532, 31853058, 19609323, 32444794, 36845387, 34326862)

KCCC/NGS Laboratory, Kuwait Cancer Control Center
Classification: Uncertain significance for Breast-ovarian cancer, familial, susceptibility to, 2. Last evaluated: 2023-06-06. Review status: criteria provided, single submitter. Criteria: ACMG Guidelines, 2015. Collection method: clinical testing. Allele origin: germline. Affected: yes.
Comment: A variant of uncertain significance was detected in the BRCA2 gene (c.62A>G). This sequence change replaces lysine with arginine at codon 21 of the BRCA2 protein (p.Lys21Arg). The lysine residue is weakly conserved and there is a small physicochemical difference between lysine and arginine. This variant is present in population databases (rs397507367, ExAC 0.03%). This variant has been reported in individuals affected with breast cancer (PMID: 25503501, 29409476). ClinVar contains an entry for this variant (Variation ID: 38033) with 11 submissions, 10 are described as of uncertain significance and 1 as likely benign. In-silico prediction show benign computational verdict based on 8 benign predictions from PolyPhen, BayesDel_addAF, EIGEN, FATHMM-MKL, MVP, MutationTaster, PrimateAI and SIFT vs 1 pathogenic prediction from M-CAP (and 1 uncertain prediction from DANN) and the position is not strongly conserved. However, these predictions have not been confirmed by published functional studies and their clinical significance is uncertain. Therefore, it has been classified as a Variant of Uncertain Significance.

Women's Health and Genetics/Laboratory Corporation of America, LabCorp
Classification: Likely benign. Last evaluated: 2022-07-15. Review status: criteria provided, single submitter. Criteria: LabCorp Variant Classification Summary - May 2015. Collection method: clinical testing. Allele origin: germline.
Comment: Variant summary: BRCA2 c.62A>G (p.Lys21Arg) results in a conservative amino acid change in the encoded protein sequence. Five of five in-silico tools predict a benign effect of the variant on protein function. The variant allele was found at a frequency of 2.8e-05 in 251130 control chromosomes (gnomAD). The available data on variant occurrences in the general population are insufficient to allow any conclusion about variant significance. c.62A>G has been reported in the literature in individuals affected with breast cancer (example, Maxwell 2015, Abdel-Razeq 2018). These reports do not provide unequivocal conclusions about association of the variant with Hereditary Breast and Ovarian Cancer. At-least one co-occurrence with another pathogenic variant has been reported (BRCA1 c.4986+6T>C; in the UMD database classified as pathogenic), providing supporting evidence for a benign role. At least one publication reports experimental evidence evaluating an impact on protein function (example, Ikegami_2020). These results showed no damaging effect of this variant on homology directed repair (HDR). Eight clinical diagnostic laboratories have submitted clinical-significance assessments for this variant to ClinVar after 2014 without evidence for independent evaluation. Multiple laboratories reported the variant with conflicting assessments (likely benign, n=2; VUS, n=6). Based on the evidence outlined above, the variant was classified as likely benign.

Clinical Genetics Laboratory, Skane University Hospital Lund
Classification: Uncertain significance. Last evaluated: 2022-05-27. Review status: criteria provided, single submitter. Criteria: ACMG Guidelines, 2015. Collection method: clinical testing. Allele origin: germline. Affected: yes.